The following is an entry in ClinVar:

NM_005876.5(SPEG):c.7465G>A (p.Gly2489Arg)

Genes: ASIC4-AS1 (ASIC4 antisense RNA 1; minus strand), SPEG (striated muscle enriched protein kinase; plus strand). Cytogenetic location: 2q35.
Variant type: single nucleotide variant.
Coding change: c.7465G>A on transcript NM_005876.5 (MANE Select); coding-DNA position 7465, G replaced by A.
Protein change: p.Gly2489Arg; replaces glycine 2489 with arginine.
Molecular consequence: missense variant.
Genome position (GRCh38, 1-based): chr2:219,484,928, G>A. VCF-style: chr2-219484928-G-A. GRCh37 (hg19) VCF-style: chr2-220349650-G-A.
Other names: c.7465G>A (NM_005876.4); short protein forms G2489R.
Identifiers: ClinVar variation 2190394 (VCV002190394.3), dbSNP rs908361924, ClinGen allele CA65992586.

ClinVar aggregate classification (germline): Uncertain significance. Review status: criteria provided, multiple submitters, no conflicts (2 of 4 stars). 2 submissions from 2 submitters: Uncertain significance (2). Last evaluated 2023-02-03.

Conditions:
Inborn genetic diseases. Identifiers: MedGen C0950123, MeSH D030342.

Allele frequency attached by ClinVar (database versions not stated): TOPMed 0.00006; gnomAD 0.00010.
gnomAD v4.1: 162 of 1,528,772 alleles (0.011%); highest among the groups gnomAD compares: Non-Finnish European, 0.013%; no homozygotes.

Submissions (2):

Ambry Genetics
Classification: Uncertain significance for Inborn genetic diseases. Last evaluated: 2023-02-03. Review status: criteria provided, single submitter. Criteria: Ambry Variant Classification Scheme 2023. Collection method: clinical testing. Allele origin: germline.

Labcorp Genetics (formerly Invitae), Labcorp
Classification: Uncertain significance. Last evaluated: 2022-07-26. Review status: criteria provided, single submitter. Criteria: Invitae Variant Classification Sherloc (09022015). Collection method: clinical testing. Allele origin: germline.
Comment: This sequence change replaces glycine, which is neutral and non-polar, with arginine, which is basic and polar, at codon 2489 of the SPEG protein (p.Gly2489Arg). This variant is present in population databases (no rsID available, gnomAD 0.01%). This variant has not been reported in the literature in individuals affected with SPEG-related conditions. Algorithms developed to predict the effect of missense changes on protein structure and function are either unavailable or do not agree on the potential impact of this missense change (SIFT: "Tolerated"; PolyPhen-2: "Possibly Damaging"; Align-GVGD: "Class C0"). In summary, the available evidence is currently insufficient to determine the role of this variant in disease. Therefore, it has been classified as a Variant of Uncertain Significance.